The following is an entry in ClinVar:

NM_001363711.2(DUOX2):c.4409G>A (p.Arg1470Gln)

Gene: DUOX2 (dual oxidase 2; minus strand). Cytogenetic location: 15q21.1.
Variant type: single nucleotide variant.
Coding change: c.4409G>A on transcript NM_001363711.2 (MANE Select); coding-DNA position 4409, G replaced by A.
Protein change: p.Arg1470Gln; replaces arginine 1470 with glutamine.
Molecular consequence: missense variant.
Genome position (GRCh38, 1-based): chr15:45,094,678, C>T on the plus strand (G>A on the coding strand, the complement: DUOX2 is on the minus strand). VCF-style: chr15-45094678-C-T. GRCh37 (hg19) VCF-style: chr15-45386876-C-T.
Other names: c.4409G>A, p.Arg1470Gln (NM_014080.5); short protein forms R1470Q.
Identifiers: ClinVar variation 884963 (VCV000884963.9), dbSNP rs138103904, ClinGen allele CA7537514.
Genomic context (GRCh38, chr15:45,094,678, plus strand): 5'-AAGTGGGTGATGGAGCGCAGGCCCGTGAACAGACTCCGGTTCAGCACTTTCTGGAAGTGC[C>T]GCTCGCAGATGTACTGGGGGCACAGGGGCAGGTCAGACCAAAGACAGTCAGGGCCAGCAC-3'
Protein context (NP_001350640.1, residues 1460-1480): LRTTMLYICE[Arg1470Gln]HFQKVLNRSL

ClinVar aggregate classification (germline): Uncertain significance. Review status: criteria provided, multiple submitters, no conflicts (2 of 4 stars). 2 submissions from 2 submitters: Uncertain significance (2). Last evaluated 2025-12-23.

Conditions:
Thyroid dyshormonogenesis 6 (TDH6). Also called: Genetic transient congenital hypothyroidism; HYPOTHYROIDISM, CONGENITAL, DUE TO DYSHORMONOGENESIS, 6; THYROID HORMONOGENESIS, GENETIC DEFECT IN, 6. Identifiers: Orphanet 226316, Orphanet 95716, MedGen C1846632, MONDO:0011792, OMIM 607200.

Allele frequency attached by ClinVar (database versions not stated): gnomAD 0.00004; TOPMed 0.00004; ESP Exome Variant Server 0.00031.

Submissions (2):

Labcorp Genetics (formerly Invitae), Labcorp
Classification: Uncertain significance. Last evaluated: 2025-12-23. Review status: criteria provided, single submitter. Criteria: Invitae Variant Classification Sherloc (09022015). Collection method: clinical testing. Allele origin: germline.
Comment: This sequence change replaces arginine, which is basic and polar, with glutamine, which is neutral and polar, at codon 1470 of the DUOX2 protein (p.Arg1470Gln). This variant is present in population databases (rs138103904, gnomAD 0.01%). This variant has not been reported in the literature in individuals affected with DUOX2-related conditions. ClinVar contains an entry for this variant (Variation ID: 884963). Invitae Evidence Modeling of protein sequence and biophysical properties (such as structural, functional, and spatial information, amino acid conservation, physicochemical variation, residue mobility, and thermodynamic stability) indicates that this missense variant is not expected to disrupt DUOX2 protein function with a negative predictive value of 95%. In summary, the available evidence is currently insufficient to determine the role of this variant in disease. Therefore, it has been classified as a Variant of Uncertain Significance.

Illumina Laboratory Services, Illumina
Classification: Uncertain significance for Thyroid dyshormonogenesis 6. Last evaluated: 2017-05-09. Review status: criteria provided, single submitter. Criteria: ICSL Variant Classification Criteria 13 December 2019. Collection method: clinical testing. Allele origin: germline.
Comment: This variant was observed as part of a predisposition screen in an ostensibly healthy population. A literature search was performed for the gene, cDNA change, and amino acid change (where applicable). Publications were found based on this search. However, the evidence from the literature, in combination with allele frequency data from public databases where available, was not sufficient to rule this variant in or out of causing disease. Therefore, this variant is classified as a variant of unknown significance.

Literature cited by the submitters: PubMed 26334177 (cited by Illumina Laboratory Services, Illumina).